The following is an entry in ClinVar:

ClinVar aggregate classification (germline): Pathogenic. Review status: criteria provided, multiple submitters, no conflicts (2 of 4 stars). 2 submissions from 2 submitters: Pathogenic (2). Last evaluated 2025-09-28.

Conditions:
Hereditary cancer-predisposing syndrome. Also called: Neoplastic Syndromes, Hereditary; Tumor predisposition; Hereditary Cancer Syndrome; Hereditary neoplastic syndrome. Identifiers: Orphanet 140162, MedGen C0027672, MeSH D009386, MONDO:0015356.

Submissions (2):

Labcorp Genetics (formerly Invitae), Labcorp
Classification: Pathogenic. Last evaluated: 2025-09-28. Review status: criteria provided, single submitter. Criteria: Invitae Variant Classification Sherloc (09022015). Collection method: clinical testing. Allele origin: germline.
Comment: This sequence change creates a premature translational stop signal (p.Tyr465Metfs*18) in the FH gene. While this is not anticipated to result in nonsense mediated decay, it is expected to disrupt the last 46 amino acid(s) of the FH protein. This variant is not present in population databases (gnomAD no frequency). This variant has not been reported in the literature in individuals affected with FH-related conditions. ClinVar contains an entry for this variant (Variation ID: 1072957). This variant disrupts a region of the FH protein in which other variant(s) (p.Glu495Valfs*2, p.Trp500*, p.Ser480Lysfs*6) have been determined to be pathogenic (PMID: 9635293, 12772087, 16597677, 21398687, 21404119; internal data). This suggests that this is a clinically significant region of the protein, and that variants that disrupt it are likely to be disease-causing. For these reasons, this variant has been classified as Pathogenic.

Ambry Genetics
Classification: Pathogenic for Hereditary cancer-predisposing syndrome. Last evaluated: 2025-07-01. Review status: criteria provided, single submitter. Criteria: Ambry Variant Classification Scheme 2023. Collection method: clinical testing. Allele origin: germline.
Comment: The c.1392delG pathogenic mutation, located in coding exon 10 of the FH gene, results from a deletion of one nucleotide at nucleotide position 1392, causing a translational frameshift with a predicted alternate stop codon (p.Y465Mfs*18). This variant was reported in individual(s) with features consistent with hereditary leiomyomatosis and renal cell cancer syndrome (Ambry internal data). This alteration occurs at the 3' terminus of the FH gene, is not expected to trigger nonsense-mediated mRNA decay, and impacts the last 9% of the protein. However, premature stop codons are typically deleterious in nature, the impacted region is critical for protein function, and a significant portion of the protein is affected (Ambry internal data). This variant is considered to be rare based on population cohorts in the Genome Aggregation Database (gnomAD). Based on the supporting evidence, this variant is interpreted as a disease-causing mutation.

Literature cited by the submitters: PubMed 9635293 (cited by Labcorp Genetics (formerly Invitae), Labcorp); PubMed 12772087 (cited by Labcorp Genetics (formerly Invitae), Labcorp); PubMed 16597677 (cited by Labcorp Genetics (formerly Invitae), Labcorp); PubMed 21398687 (cited by Labcorp Genetics (formerly Invitae), Labcorp); PubMed 21404119 (cited by Labcorp Genetics (formerly Invitae), Labcorp).

NM_000143.3(FH):c.1392delG

Gene: FH (fumarate hydratase; minus strand). Cytogenetic location: 1q43.
Variant type: Deletion.
Coding change: c.1392delG on transcript NM_000143.3; coding-DNA position 1392, one base deleted (G).
Genome position (GRCh38, 1-based): chr1:241,497,969, C deleted on the plus strand (G on the coding strand, the reverse complement: FH is on the minus strand); the first of 3 consecutive C bases (chr1:241,497,969-241,497,971); deleting any one gives the same sequence. VCF-style (leftmost placement, unchanged base first): chr1-241497968-AC-A. GRCh37 (hg19) VCF-style: chr1-241661268-AC-A.
Identifiers: ClinVar variation 1072957 (VCV001072957.9), dbSNP rs2147911365, ClinGen allele CA2499214628.